The following is an entry in ClinVar:

ClinVar aggregate classification (germline): Uncertain significance. Review status: criteria provided, multiple submitters, no conflicts (2 of 4 stars). 2 submissions from 2 submitters: Uncertain significance (2). Last evaluated 2025-03-19.

Conditions:
CTNNB1-related disorder. Also called: CTNNB1-related condition.

Allele frequency attached by ClinVar (database versions not stated): gnomAD 0.00001; gnomAD exomes 0.00001; ExAC 0.00002.
gnomAD v4.1: 4 of 1,613,702 alleles (0.00025%); highest among the groups gnomAD compares: Admixed American, 0.0017%; no homozygotes.

Submissions (2):

Labcorp Genetics (formerly Invitae), Labcorp
Classification: Uncertain significance. Last evaluated: 2025-03-19. Review status: criteria provided, single submitter. Criteria: Invitae Variant Classification Sherloc (09022015). Collection method: clinical testing. Allele origin: germline.
Comment: This sequence change replaces alanine, which is neutral and non-polar, with valine, which is neutral and non-polar, at codon 20 of the CTNNB1 protein (p.Ala20Val). This variant is present in population databases (rs757325337, gnomAD 0.008%). This variant has not been reported in the literature in individuals affected with CTNNB1-related conditions. ClinVar contains an entry for this variant (Variation ID: 1346762). An algorithm developed to predict the effect of missense changes on protein structure and function (PolyPhen-2) suggests that this variant is likely to be tolerated. In summary, the available evidence is currently insufficient to determine the role of this variant in disease. Therefore, it has been classified as a Variant of Uncertain Significance.

PreventionGenetics, part of Exact Sciences
Classification: Uncertain significance for CTNNB1-related condition. Last evaluated: 2022-12-13. Review status: criteria provided, single submitter. Criteria: ACMG Guidelines, 2015. Collection method: clinical testing. Allele origin: germline.
Comment: The CTNNB1 c.59C>T variant is predicted to result in the amino acid substitution p.Ala20Val. To our knowledge, this variant has not been reported in the literature. This variant is reported in 0.0080% of alleles in individuals of European (Finnish) descent in gnomAD. At this time, the clinical significance of this variant is uncertain due to the absence of conclusive functional and genetic evidence.

NM_001904.4(CTNNB1):c.59C>T (p.Ala20Val)

Genes: CTNNB1 (catenin beta 1; plus strand), LOC126806658 (BRD4-independent group 4 enhancer GRCh37_chr3:41265899-41267098; plus strand). Cytogenetic location: 3p22.1.
Variant type: single nucleotide variant.
Coding change: c.59C>T on transcript NM_001904.4 (MANE Select); coding-DNA position 59, C replaced by T.
Protein change: p.Ala20Val; replaces alanine 20 with valine.
Molecular consequence: missense variant.
Genome position (GRCh38, 1-based): chr3:41,224,571, C>T. VCF-style: chr3-41224571-C-T. GRCh37 (hg19) VCF-style: chr3-41266062-C-T.
Other names: c.59C>T (NM_001904.3); c.59C>T, p.Ala20Val (NM_001098209.2, NM_001098210.2); c.38C>T, p.Ala13Val (NM_001330729.2); short protein forms A20V, A13V.
Identifiers: ClinVar variation 1346762 (VCV001346762.9), dbSNP rs757325337, ClinGen allele CA2330856.
Genomic context (GRCh38, chr3:41,224,571, plus strand): 5'-GTTTCGTATTTATAGCTGATTTGATGGAGTTGGACATGGCCATGGAACCAGACAGAAAAG[C>T]GGCTGTTAGTCACTGGCAGCAACAGTCTTACCTGGACTCTGGAATCCATTCTGGTGCCAC-3'
Protein context (NP_001895.1, residues 10-30): LDMAMEPDRK[Ala20Val]AVSHWQQQSY